The following is an entry in ClinVar:

ClinVar aggregate classification (germline): Uncertain significance (1 of 4 stars; one submission).

Conditions:
Hereditary cancer-predisposing syndrome. Also called: Tumor predisposition; Neoplastic Syndromes, Hereditary; Hereditary neoplastic syndrome; Hereditary Cancer Syndrome. Identifiers: Orphanet 140162, MedGen C0027672, MeSH D009386, MONDO:0015356.

gnomAD v4.1: 1 of 1,612,554 alleles (0.000062%); highest among the groups gnomAD compares: South Asian, 0.0011%; no homozygotes.

Submission:

Ambry Genetics
Classification: Uncertain significance for Hereditary cancer-predisposing syndrome. Last evaluated: 2024-06-26. Review status: criteria provided, single submitter. Criteria: Ambry Variant Classification Scheme 2023. Collection method: clinical testing. Allele origin: germline.
Comment: The p.V46A variant (also known as c.137T>C), located in coding exon 2 of the SDHD gene, results from a T to C substitution at nucleotide position 137. The valine at codon 46 is replaced by alanine, an amino acid with similar properties. This amino acid position is conserved. In addition, the in silico prediction for this alteration is inconclusive. Based on the available evidence, the clinical significance of this variant remains unclear.

NM_003002.4(SDHD):c.137T>C (p.Val46Ala)

Gene: SDHD (succinate dehydrogenase complex subunit D; plus strand). Cytogenetic location: 11q23.1.
Variant type: single nucleotide variant.
Coding change: c.137T>C on transcript NM_003002.4 (MANE Select); coding-DNA position 137, T replaced by C.
Protein change: p.Val46Ala; replaces valine 46 with alanine.
Molecular consequence: missense variant. On other transcripts: non-coding transcript variant (1), intron variant (1).
Genome position (GRCh38, 1-based): chr11:112,087,941, T>C. VCF-style: chr11-112087941-T-C. GRCh37 (hg19) VCF-style: chr11-111958665-T-C.
Other names: c.137T>C, p.Val46Ala (NM_001276503.2, NM_001276506.2); c.53-926T>C (NM_001276504.2); short protein forms V46A.
Identifiers: ClinVar variation 3438802 (VCV003438802.1).
Genomic context (GRCh38, chr11:112,087,941, plus strand): 5'-TCAGACCTGCTCATATCTCAGCATTTCTTCAGGACCGACCTATCCCAGAATGGTGTGGAG[T>C]GCAGCACATACACTTGTCACCGAGCCACCATTGTATGTTCTCTCCATCGCTGCTGCTTTC-3'
Protein context (NP_002993.1, residues 36-56): QDRPIPEWCG[Val46Ala]QHIHLSPSHH